The following is an entry in ClinVar:

ClinVar aggregate classification (germline): Benign/Likely benign. Review status: criteria provided, multiple submitters, no conflicts (2 of 4 stars). 2 submissions from 2 submitters: Benign (1); Likely benign (1). Last evaluated 2024-04-18.

Conditions:
X-linked severe combined immunodeficiency (SCIDX1). Also called: IMMUNODEFICIENCY 4; SCID, X-LINKED; SEVERE COMBINED IMMUNODEFICIENCY, X-LINKED, T CELL-NEGATIVE, B CELL-POSITIVE, NK CELL-NEGATIVE; T-B+ severe combined immunodeficiency due to gamma chain deficiency; X-Linked Combined Immunodeficiency Diseases. Identifiers: Orphanet 276, MedGen C6022468, MONDO:0010315, OMIM 300400. Disease mechanism: loss of function.

Allele frequency attached by ClinVar (database versions not stated): gnomAD below 0.00001 and 0.00012; TOPMed below 0.00001; gnomAD exomes 0.00009; 1000 Genomes Project 30x 0.00104; 1000 Genomes Project 0.00106.

Submissions (2):

Blueprint Genetics
Classification: Likely benign. Last evaluated: 2024-04-18. Review status: criteria provided, single submitter. Criteria: ACMG Guidelines, 2015. Collection method: clinical testing. Allele origin: germline.

Illumina Laboratory Services, Illumina
Classification: Benign for X-linked severe combined immunodeficiency. Last evaluated: 2018-01-13. Review status: criteria provided, single submitter. Criteria: ICSL Variant Classification Criteria 13 December 2019. Collection method: clinical testing. Allele origin: germline.
Comment: This variant was observed in the ICSL laboratory as part of a predisposition screen in an ostensibly healthy population. It had not been previously curated by ICSL or reported in the Human Gene Mutation Database (HGMD: prior to June 1st, 2018), and was therefore a candidate for classification through an automated scoring system. Utilizing variant allele frequency, disease prevalence and penetrance estimates, and inheritance mode, an automated score was calculated to assess if this variant is too frequent to cause the disease. Based on the score and internal cut-off values, a variant classified as benign is not then subjected to further curation. The score for this variant resulted in a classification of benign for this disease.

NM_000206.3(IL2RG):c.*290T>C

Gene: IL2RG (interleukin 2 receptor subunit gamma; minus strand). Cytogenetic location: Xq13.1.
Variant type: single nucleotide variant.
Coding change: c.*290T>C on transcript NM_000206.3 (MANE Select); 290 bases downstream of the stop codon, T replaced by C.
Molecular consequence: 3 prime UTR variant.
Genome position (GRCh38, 1-based): chrX:71,107,446, A>G on the plus strand (T>C on the coding strand, the complement: IL2RG is on the minus strand). VCF-style: chrX-71107446-A-G. GRCh37 (hg19) VCF-style: chrX-70327296-A-G.
Identifiers: ClinVar variation 368615 (VCV000368615.6), dbSNP rs763003140, ClinGen allele CA10646364.